The following is an entry in ClinVar:

ClinVar aggregate classification (germline): Conflicting classifications of pathogenicity. Review status: criteria provided, conflicting classifications (1 of 4 stars). 2 submissions from 2 submitters: Pathogenic (1); Uncertain significance (1). Last evaluated 2026-09-18.

Conditions:
Ichthyosis vulgaris. Also called: ICHTHYOSIS SIMPLEX; Dominant ichthyosis vulgaris. Identifiers: MedGen C0079584, MONDO:0024304, OMIM 146700.

Allele frequency attached by ClinVar (database versions not stated): ExAC 0.00001; gnomAD 0.00001 and 0.00002; TOPMed 0.00001; gnomAD exomes 0.00002 and 0.00003.
gnomAD v4.1: 40 of 1,610,204 alleles (0.0025%); highest among the groups gnomAD compares: Non-Finnish European, 0.0031%; 1 homozygote.

Submissions (2):

GeneDx
Classification: Pathogenic. Last evaluated: 2026-09-18. Review status: criteria provided, single submitter. Criteria: GeneDx Variant Classification Process June 2021. Collection method: clinical testing. Allele origin: germline.
Comment: Nonsense variant predicted to result in protein truncation, as the last 620 amino acid(s) are lost, and other loss-of-function variants have been reported downstream in HGMD; Has not been previously published as pathogenic or benign in a patient with FLG-related disorder to our knowledge; This variant is associated with the following publications: (PMID: 31589614, 37200867, 16444271)

Genomic Research Center, Shahid Beheshti University of Medical Sciences
Classification: Uncertain significance for Ichthyosis vulgaris. Last evaluated: 2020-05-03. Review status: criteria provided, single submitter. Criteria: ACMG Guidelines, 2015. Collection method: clinical testing. Allele origin: unknown. Affected: yes.

NM_002016.2(FLG):c.10324A>T (p.Arg3442Ter)

Genes: CCDST (cervical cancer associated DHX9 suppressive transcript; plus strand), FLG (filaggrin; minus strand). Cytogenetic location: 1q21.3.
Variant type: single nucleotide variant.
Coding change: c.10324A>T on transcript NM_002016.2 (MANE Select); coding-DNA position 10324, A replaced by T.
Protein change: p.Arg3442Ter; replaces arginine 3442 with a stop codon.
Molecular consequence: nonsense.
Genome position (GRCh38, 1-based): chr1:152,304,562, T>A on the plus strand (A>T on the coding strand, the complement: FLG is on the minus strand). VCF-style: chr1-152304562-T-A. GRCh37 (hg19) VCF-style: chr1-152277038-T-A.
Other names: short protein forms R3442*.
Identifiers: ClinVar variation 265157 (VCV000265157.7), dbSNP rs764094665, ClinGen allele CA1103417.